The following is an entry in ClinVar:

ClinVar aggregate classification (germline): Uncertain significance (1 of 4 stars; one submission).

Submission:

GeneDx
Classification: Uncertain significance. Last evaluated: 2022-08-19. Review status: criteria provided, single submitter. Criteria: GeneDx Variant Classification Process June 2021. Collection method: clinical testing. Allele origin: germline. Affected: yes.
Comment: Not observed at significant frequency in large population cohorts (gnomAD); Has not been previously published as pathogenic or benign to our knowledge

NM_019066.5(MAGEL2):c.73C>G (p.Arg25Gly)

Gene: MAGEL2 (MAGE family member L2; minus strand). Cytogenetic location: 15q11.2.
Variant type: single nucleotide variant.
Coding change: c.73C>G on transcript NM_019066.5 (MANE Select); coding-DNA position 73, C replaced by G.
Protein change: p.Arg25Gly; replaces arginine 25 with glycine.
Molecular consequence: missense variant.
Genome position (GRCh38, 1-based): chr15:23,647,670, G>C on the plus strand (C>G on the coding strand, the complement: MAGEL2 is on the minus strand). VCF-style: chr15-23647670-G-C. GRCh37 (hg19) VCF-style: chr15-23892817-G-C.
Other names: short protein forms R25G.
Identifiers: ClinVar variation 2431011 (VCV002431011.1), dbSNP rs1246411736, ClinGen allele CA391337969.